The following is an entry in ClinVar:

ClinVar aggregate classification (germline): Pathogenic (1 of 4 stars; one submission).

Conditions:
Early-infantile DEE. Also called: Early infantile epileptic encephalopathy; Ohtahara syndrome; Early infantile epileptic encephalopathy with suppression bursts. Identifiers: Orphanet 1934, MedGen C0393706, MONDO:0800491.

Submission:

Labcorp Genetics (formerly Invitae), Labcorp
Classification: Pathogenic for Early-infantile DEE. Last evaluated: 2023-05-25. Review status: criteria provided, single submitter. Criteria: Invitae Variant Classification Sherloc (09022015). Collection method: clinical testing. Allele origin: germline.
Comment: For these reasons, this variant has been classified as Pathogenic. This premature translational stop signal has been observed in individual(s) with Dravet syndrome (PMID: 30185235). This variant is not present in population databases (gnomAD no frequency). This sequence change creates a premature translational stop signal (p.Leu180*) in the SCN1A gene. It is expected to result in an absent or disrupted protein product. Loss-of-function variants in SCN1A are known to be pathogenic (PMID: 17347258, 18930999).

Literature cited by the submitters: PubMed 30185235; PubMed 17347258; PubMed 18930999.

NM_001165963.4(SCN1A):c.539del (p.Cys179_Leu180insTer)

Gene: SCN1A (sodium voltage-gated channel alpha subunit 1; minus strand). Cytogenetic location: 2q24.3.
Variant type: Deletion.
Coding change: c.539del on transcript NM_001165963.4 (MANE Select); coding-DNA position 539, one base deleted (T; older notation c.539delT).
Protein change: p.Cys179_Leu180insTer.
Molecular consequence: nonsense. On other transcripts: 5 prime UTR variant (1), non-coding transcript variant (1).
Genome position (GRCh38, 1-based): chr2:166,054,701, A deleted on the plus strand (T on the coding strand, the reverse complement: SCN1A is on the minus strand); the first of 3 consecutive A bases (chr2:166,054,701-166,054,703); deleting any one gives the same sequence. VCF-style (leftmost placement, unchanged base first): chr2-166054700-TA-T. GRCh37 (hg19) VCF-style: chr2-166911210-TA-T.
Other names: c.539del, p.Cys179_Leu180insTer (NM_001353957.2, NM_001353958.2, NM_001353960.2 and 10 more transcripts); c.-1887del (NM_001353961.2).
Identifiers: ClinVar variation 2910149 (VCV002910149.3), dbSNP rs2468247057, ClinGen allele CA2586971067.
Genomic context (GRCh38, chr2:166,054,700, plus strand): 5'-AAATGTAATGACAGTGAAATCGAGCCAGTTCCATGGATCCCGAAGGAAAGTAAAATCTTC[TA>T]AACAGAATCCCCTTGCAATAATTTTTATAAGTGATTCAAAAGTATATATTCCTGTGAAGG-3'